The following is an entry in ClinVar:

NM_001111125.3(IQSEC2):c.3269G>A (p.Arg1090His)

Gene: IQSEC2 (IQ motif and Sec7 domain ArfGEF 2; minus strand). Cytogenetic location: Xp11.22.
Variant type: single nucleotide variant.
Coding change: c.3269G>A on transcript NM_001111125.3 (MANE Select); coding-DNA position 3269, G replaced by A.
Protein change: p.Arg1090His; replaces arginine 1090 with histidine.
Molecular consequence: missense variant.
Genome position (GRCh38, 1-based): chrX:53,238,153, C>T on the plus strand (G>A on the coding strand, the complement: IQSEC2 is on the minus strand). VCF-style: chrX-53238153-C-T. GRCh37 (hg19) VCF-style: chrX-53267335-C-T.
Other names: c.2654G>A, p.Arg885His (NM_015075.2); c.3269G>A (NM_001111125.2); short protein forms R885H, R1090H.
Identifiers: ClinVar variation 1047218 (VCV001047218.10), dbSNP rs2074164267, ClinGen allele CA413146014.
Genomic context (GRCh38, chrX:53,238,153, plus strand): 5'-TGCAGGGTACTGTTTCAGGAGAGCAGGGAGGAGACATGGCTGGGCTACTCACACTCCACA[C>T]GGTATTTCTCCATCTCCTGCACCTCCGCAATGGACTCGCGCAGGTCGGATGTAAAGCGCA-3'
Protein context (NP_001104595.1, residues 1080-1100): IAEVQEMEKY[Arg1090His]VESELEKQKG

ClinVar aggregate classification (germline): Uncertain significance. Review status: criteria provided, multiple submitters, no conflicts (2 of 4 stars). 2 submissions from 2 submitters: Uncertain significance (2). Last evaluated 2024-08-04.

Conditions:
Inborn genetic diseases. Identifiers: MedGen C0950123, MeSH D030342.
Intellectual developmental disorder, X-linked 1. Also called: Atkin Flaitz Patil Smith syndrome; Intellectual disability, X-linked 1; MENTAL RETARDATION, X-LINKED 18; MENTAL RETARDATION, X-LINKED 78. Identifiers: Orphanet 777, MedGen C2931498, MONDO:0010656, OMIM 309530.

Allele frequency attached by ClinVar (database versions not stated): gnomAD exomes below 0.00001.
gnomAD v4.1: 3 of 1,201,686 alleles (0.00025%); highest among the groups gnomAD compares: Non-Finnish European, 0.00022%; no homozygotes.

Submissions (2):

Ambry Genetics
Classification: Uncertain significance for Inborn genetic diseases. Last evaluated: 2024-08-04. Review status: criteria provided, single submitter. Criteria: Ambry Variant Classification Scheme 2023. Collection method: clinical testing. Allele origin: germline.

Labcorp Genetics (formerly Invitae), Labcorp
Classification: Uncertain significance for Intellectual developmental disorder, X-linked 1. Last evaluated: 2020-10-28. Review status: criteria provided, single submitter. Criteria: Invitae Variant Classification Sherloc (09022015). Collection method: clinical testing. Allele origin: germline.
Comment: This sequence change replaces arginine with histidine at codon 1090 of the IQSEC2 protein (p.Arg1090His). The arginine residue is highly conserved and there is a small physicochemical difference between arginine and histidine. In summary, the available evidence is currently insufficient to determine the role of this variant in disease. Therefore, it has been classified as a Variant of Uncertain Significance. Advanced modeling of protein sequence and biophysical properties (such as structural, functional, and spatial information, amino acid conservation, physicochemical variation, residue mobility, and thermodynamic stability) performed at Invitae indicates that this missense variant is expected to disrupt IQSEC2 protein function. This variant has not been reported in the literature in individuals with IQSEC2-related conditions. This variant is not present in population databases (ExAC no frequency).